The following is an entry in ClinVar:

ClinVar aggregate classification (germline): Uncertain significance (1 of 4 stars; one submission).

Conditions:
Developmental and epileptic encephalopathy 94 (DEE94). Also called: Epileptic encephalopathy, childhood-onset; CHD2-Related Neurodevelopmental Disorders. Identifiers: Orphanet 1942, Orphanet 2382, MedGen C3809278, MONDO:0014150, OMIM 615369.

Submission:

Labcorp Genetics (formerly Invitae), Labcorp
Classification: Uncertain significance for Developmental and epileptic encephalopathy 94. Last evaluated: 2025-02-24. Review status: criteria provided, single submitter. Criteria: Invitae Variant Classification Sherloc (09022015). Collection method: clinical testing. Allele origin: germline.
Comment: This sequence change replaces proline, which is neutral and non-polar, with threonine, which is neutral and polar, at codon 1802 of the CHD2 protein (p.Pro1802Thr). This variant is not present in population databases (gnomAD no frequency). This variant has not been reported in the literature in individuals affected with CHD2-related conditions. Invitae Evidence Modeling of protein sequence and biophysical properties (such as structural, functional, and spatial information, amino acid conservation, physicochemical variation, residue mobility, and thermodynamic stability) indicates that this missense variant is not expected to disrupt CHD2 protein function with a negative predictive value of 95%. In summary, the available evidence is currently insufficient to determine the role of this variant in disease. Therefore, it has been classified as a Variant of Uncertain Significance.

NM_001271.4(CHD2):c.5404C>A (p.Pro1802Thr)

Gene: CHD2 (chromodomain helicase DNA binding protein 2; plus strand). Cytogenetic location: 15q26.1.
Variant type: single nucleotide variant.
Coding change: c.5404C>A on transcript NM_001271.4 (MANE Select); coding-DNA position 5404, C replaced by A.
Protein change: p.Pro1802Thr; replaces proline 1802 with threonine.
Molecular consequence: missense variant.
Genome position (GRCh38, 1-based): chr15:93,024,622, C>A. VCF-style: chr15-93024622-C-A. GRCh37 (hg19) VCF-style: chr15-93567852-C-A.
Other names: short protein forms P1802T.
Identifiers: ClinVar variation 3636706 (VCV003636706.2).